The following is an entry in ClinVar:

ClinVar aggregate classification (germline): Likely benign. Review status: criteria provided, single submitter (1 of 4 stars). 2 submissions from 2 submitters: Likely benign (1). 1 of the submissions does not count toward it. Last evaluated 2025-12-17.

Conditions:
DYRK1B-related disorder. Also called: DYRK1B-related condition.

gnomAD v4.1: 15 of 1,604,098 alleles (0.00094%); highest among the groups gnomAD compares: African/African-American, 0.012%; no homozygotes.

Submissions (2):

Labcorp Genetics (formerly Invitae), Labcorp
Classification: Likely benign. Last evaluated: 2025-12-17. Review status: criteria provided, single submitter. Criteria: Invitae Variant Classification Sherloc (09022015). Collection method: clinical testing. Allele origin: germline.

PreventionGenetics, part of Exact Sciences
Classification: Likely benign for DYRK1B-related condition. Last evaluated: 2022-03-10. Review status: no assertion criteria provided. Collection method: clinical testing. Allele origin: germline. Not counted in ClinVar's aggregate classification.
Comment: This variant is classified as likely benign based on ACMG/AMP sequence variant interpretation guidelines (Richards et al. 2015 PMID: 25741868, with internal and published modifications).

NM_004714.3(DYRK1B):c.1362C>T (p.Pro454=)

Gene: DYRK1B (dual specificity tyrosine phosphorylation regulated kinase 1B; minus strand). Cytogenetic location: 19q13.2.
Variant type: single nucleotide variant.
Coding change: c.1362C>T on transcript NM_004714.3 (MANE Select); coding-DNA position 1362, C replaced by T.
Protein change: p.Pro454=; no amino-acid change (proline 454 retained).
Molecular consequence: synonymous variant.
Genome position (GRCh38, 1-based): chr19:39,826,721, G>A on the plus strand (C>T on the coding strand, the complement: DYRK1B is on the minus strand). VCF-style: chr19-39826721-G-A. GRCh37 (hg19) VCF-style: chr19-40317361-G-A.
Other names: c.1242C>T, p.Pro414= (NM_006483.3); c.1278C>T, p.Pro426= (NM_006484.3).
Identifiers: ClinVar variation 3354027 (VCV003354027.3).